The following is an entry in ClinVar:

ClinVar aggregate classification (germline): Conflicting classifications of pathogenicity. Review status: criteria provided, conflicting classifications (1 of 4 stars). 11 submissions from 11 submitters: Uncertain significance (6); Likely benign (5). Last evaluated 2026-01-05.

Conditions:
BSCL2-related disorder. Also called: BSCL2-Related Disorders; BSCL2-related condition.
Inborn genetic diseases. Identifiers: MedGen C0950123, MeSH D030342.
Charcot-Marie-Tooth disease type 2. Also called: Charcot-Marie-Tooth type 2. Identifiers: Orphanet 64746, MedGen C0270914, MONDO:0018993.
Hereditary spastic paraplegia. Also called: Familial spastic paraparesis. Identifiers: Orphanet 685, MedGen C0037773, MONDO:0019064. Disease mechanism: loss of function.

Allele frequency attached by ClinVar (database versions not stated): TOPMed 0.00039; gnomAD exomes 0.00040 and 0.00069; gnomAD 0.00047 and 0.00048; ExAC 0.00048; ESP Exome Variant Server 0.00100.
gnomAD v4.1: 1,084 of 1,613,522 alleles (0.067%); highest among the groups gnomAD compares: Non-Finnish European, 0.081%; no homozygotes.

Submissions (11):

Labcorp Genetics (formerly Invitae), Labcorp
Classification: Likely benign for Charcot-Marie-Tooth disease type 2. Last evaluated: 2026-01-05. Review status: criteria provided, single submitter. Criteria: Invitae Variant Classification Sherloc (09022015). Collection method: clinical testing. Allele origin: germline.

CeGaT Center for Human Genetics Tuebingen
Classification: Uncertain significance. Last evaluated: 2026-01-01. Review status: criteria provided, single submitter. Criteria: CeGaT Center For Human Genetics Tuebingen Variant Classification Criteria Version 2. Collection method: clinical testing. Allele origin: germline. Affected: yes. Observed: 5 variant alleles.

Mayo Clinic Laboratories, Mayo Clinic
Classification: Uncertain significance. Last evaluated: 2025-07-11. Review status: criteria provided, single submitter. Criteria: ACMG Guidelines, 2015. Collection method: clinical testing. Allele origin: germline. Observed: 10 variant alleles.
Comment: BP4_moderate

PreventionGenetics, part of Exact Sciences
Classification: Likely benign for BSCL2-related condition. Last evaluated: 2025-03-18. Review status: criteria provided, single submitter. Criteria: ACMG Guidelines, 2015. Collection method: clinical testing. Allele origin: germline.
Comment: This variant is classified as likely benign based on ACMG/AMP sequence variant interpretation guidelines (Richards et al. 2015 PMID: 25741868, with internal and published modifications).

GeneDx
Classification: Uncertain significance. Last evaluated: 2024-12-23. Review status: criteria provided, single submitter. Criteria: GeneDx Variant Classification Process June 2021. Collection method: clinical testing. Allele origin: germline. Affected: yes.
Comment: In silico analysis supports that this missense variant has a deleterious effect on protein structure/function; Has not been previously published as pathogenic or benign to our knowledge; This variant is associated with the following publications: (PMID: 32041611)

Ambry Genetics
Classification: Likely benign for Inborn genetic diseases. Last evaluated: 2023-03-17. Review status: criteria provided, single submitter. Criteria: Ambry Variant Classification Scheme 2023. Collection method: clinical testing. Allele origin: germline.

Revvity Omics, Revvity
Classification: Uncertain significance. Last evaluated: 2020-11-13. Review status: criteria provided, single submitter. Criteria: ACMG Guidelines, 2015. Collection method: clinical testing. Allele origin: germline.

Athena Diagnostics
Classification: Likely benign. Last evaluated: 2020-02-04. Review status: criteria provided, single submitter. Criteria: Athena Diagnostics Criteria. Collection method: clinical testing. Allele origin: unknown.

ARUP Laboratories, Molecular Genetics and Genomics, ARUP Laboratories
Classification: Likely benign. Last evaluated: 2019-04-26. Review status: criteria provided, single submitter. Criteria: ARUP Molecular Germline Variant Investigation Process. Collection method: clinical testing. Allele origin: germline.

Genome Diagnostics Laboratory, The Hospital for Sick Children
Classification: Uncertain significance for Hereditary spastic paraplegia. Last evaluated: 2019-02-01. Review status: criteria provided, single submitter. Criteria: ACMG Guidelines, 2015. Collection method: clinical testing. Allele origin: germline. Affected: yes.

Eurofins Ntd Llc (ga)
Classification: Uncertain significance. Last evaluated: 2015-09-02. Review status: criteria provided, single submitter. Criteria: EGL Classification Definitions 2015. Collection method: clinical testing. Allele origin: germline. Observed: 1 variant allele, 1 heterozygote.

NM_001122955.4(BSCL2):c.1100C>T (p.Pro367Leu)

Genes: BSCL2 (BSCL2 lipid droplet biogenesis associated, seipin; minus strand), HNRNPUL2-BSCL2 (HNRNPUL2-BSCL2 readthrough (NMD candidate); minus strand). Cytogenetic location: 11q12.3.
Variant type: single nucleotide variant.
Coding change: c.1100C>T on transcript NM_001122955.4 (MANE Select); coding-DNA position 1100, C replaced by T.
Protein change: p.Pro367Leu; replaces proline 367 with leucine.
Molecular consequence: missense variant. On other transcripts: non-coding transcript variant (1).
Genome position (GRCh38, 1-based): chr11:62,690,840, G>A on the plus strand (C>T on the coding strand, the complement: BSCL2 is on the minus strand). VCF-style: chr11-62690840-G-A. GRCh37 (hg19) VCF-style: chr11-62458312-G-A.
Other names: p.Pro303Leu; c.766C>T, p.Arg256Cys (NM_001130702.2); c.1106C>T, p.Pro369Leu (NM_001386027.1); c.1100C>T, p.Pro367Leu (NM_001386028.1); c.908C>T, p.Pro303Leu (NM_032667.6); c.1100C>T (NM_001122955.3); short protein forms P367L, P303L, R256C, P369L.
Identifiers: ClinVar variation 199176 (VCV000199176.73), dbSNP rs144245125, ClinGen allele CA248240.